The following is an entry in ClinVar:

NM_001372.4(DNAH9):c.10242+1G>C

Gene: DNAH9 (dynein axonemal heavy chain 9; plus strand). Cytogenetic location: 17p12.
Variant type: single nucleotide variant.
Coding change: c.10242+1G>C on transcript NM_001372.4 (MANE Select); the canonical splice donor site of the intron after coding-DNA position 10242, G replaced by C.
Molecular consequence: splice donor variant.
Genome position (GRCh38, 1-based): chr17:11,871,787, G>C. VCF-style: chr17-11871787-G-C. GRCh37 (hg19) VCF-style: chr17-11775104-G-C.
Identifiers: ClinVar variation 1453048 (VCV001453048.6), dbSNP rs757057136, ClinGen allele CA8397440.

ClinVar aggregate classification (germline): Pathogenic (1 of 4 stars; one submission).

Allele frequency attached by ClinVar (database versions not stated): gnomAD 0.00001; TOPMed 0.00002; gnomAD exomes 0.00007; ExAC 0.00008.
gnomAD v4.1: 18 of 1,613,772 alleles (0.0011%); highest among the groups gnomAD compares: Admixed American, 0.028%; no homozygotes.

Submission:

Labcorp Genetics (formerly Invitae), Labcorp
Classification: Pathogenic. Last evaluated: 2025-06-17. Review status: criteria provided, single submitter. Criteria: Invitae Variant Classification Sherloc (09022015). Collection method: clinical testing. Allele origin: germline.
Comment: This sequence change affects a donor splice site in intron 52 of the DNAH9 gene. It is expected to disrupt RNA splicing. Variants that disrupt the donor or acceptor splice site typically lead to a loss of protein function (PMID: 16199547), and loss-of-function variants in DNAH9 are known to be pathogenic (PMID: 30471718). This variant is present in population databases (rs757057136, gnomAD 0.04%). Disruption of this splice site has been observed in individual(s) with DNAH9-related conditions (internal data). It has also been observed to segregate with disease in related individuals. ClinVar contains an entry for this variant (Variation ID: 1453048). Algorithms developed to predict the effect of sequence changes on RNA splicing suggest that this variant may disrupt the consensus splice site. For these reasons, this variant has been classified as Pathogenic.

Literature cited by the submitters: PubMed 16199547; PubMed 30471718.